The following is an entry in ClinVar:

NM_013444.4(UBQLN2):c.1391C>T (p.Thr464Ile)

Gene: UBQLN2 (ubiquilin 2; plus strand). Cytogenetic location: Xp11.21.
Variant type: single nucleotide variant.
Coding change: c.1391C>T on transcript NM_013444.4 (MANE Select); coding-DNA position 1391, C replaced by T.
Protein change: p.Thr464Ile; replaces threonine 464 with isoleucine.
Molecular consequence: missense variant.
Genome position (GRCh38, 1-based): chrX:56,565,264, C>T. VCF-style: chrX-56565264-C-T. GRCh37 (hg19) VCF-style: chrX-56591697-C-T.
Other names: short protein forms T464I.
Identifiers: ClinVar variation 2419797 (VCV002419797.6), dbSNP rs757944910, ClinGen allele CA10430159.

ClinVar aggregate classification (germline): Uncertain significance (1 of 4 stars; one submission).

Conditions:
Amyotrophic lateral sclerosis type 15. Also called: AMYOTROPHIC LATERAL SCLEROSIS 15 WITH FRONTOTEMPORAL DEMENTIA. Identifiers: Orphanet 803, MedGen C3275459, MONDO:0010459, OMIM 300857.

Allele frequency attached by ClinVar (database versions not stated): TOPMed below 0.00001; ExAC 0.00001; gnomAD exomes 0.00001.

Submission:

Labcorp Genetics (formerly Invitae), Labcorp
Classification: Uncertain significance for Amyotrophic lateral sclerosis type 15. Last evaluated: 2024-01-27. Review status: criteria provided, single submitter. Criteria: Invitae Variant Classification Sherloc (09022015). Collection method: clinical testing. Allele origin: germline.
Comment: This sequence change replaces threonine, which is neutral and polar, with isoleucine, which is neutral and non-polar, at codon 464 of the UBQLN2 protein (p.Thr464Ile). This variant is present in population databases (rs757944910, gnomAD 0.01%). This variant has not been reported in the literature in individuals affected with UBQLN2-related conditions. ClinVar contains an entry for this variant (Variation ID: 2419797). Advanced modeling of protein sequence and biophysical properties (such as structural, functional, and spatial information, amino acid conservation, physicochemical variation, residue mobility, and thermodynamic stability) performed at Invitae indicates that this missense variant is not expected to disrupt UBQLN2 protein function with a negative predictive value of 80%. In summary, the available evidence is currently insufficient to determine the role of this variant in disease. Therefore, it has been classified as a Variant of Uncertain Significance.